The following is an entry in ClinVar:

ClinVar aggregate classification (germline): Uncertain significance. Review status: criteria provided, multiple submitters, no conflicts (2 of 4 stars). 3 submissions from 3 submitters: Uncertain significance (2). 1 of the submissions does not count toward it. Last evaluated 2021-08-24.

Conditions:
Primary ciliary dyskinesia. Also called: Ciliary dyskinesia. Identifiers: Orphanet 244, MedGen C0008780, MONDO:0016575, HP:0012265.
Primary ciliary dyskinesia 3. Identifiers: Orphanet 244, MedGen C1837618, MONDO:0012085, OMIM 608644.

Allele frequency attached by ClinVar (database versions not stated): ExAC 0.00001; gnomAD exomes 0.00001.
gnomAD v4.1: 33 of 1,613,896 alleles (0.002%); highest among the groups gnomAD compares: Admixed American, 0.005%; no homozygotes.

Submissions (3):

Labcorp Genetics (formerly Invitae), Labcorp
Classification: Uncertain significance for Primary ciliary dyskinesia. Last evaluated: 2021-08-24. Review status: criteria provided, single submitter. Criteria: Invitae Variant Classification Sherloc (09022015). Collection method: clinical testing. Allele origin: germline.
Comment: This sequence change replaces glutamic acid with lysine at codon 4211 of the DNAH5 protein (p.Glu4211Lys). The glutamic acid residue is highly conserved and there is a small physicochemical difference between glutamic acid and lysine. This variant is present in population databases (rs762673561, ExAC 0.009%). This variant has not been reported in the literature in individuals affected with DNAH5-related conditions. ClinVar contains an entry for this variant (Variation ID: 351012). Algorithms developed to predict the effect of missense changes on protein structure and function are either unavailable or do not agree on the potential impact of this missense change (SIFT: "Deleterious"; PolyPhen-2: "Possibly Damaging"; Align-GVGD: "Class C0"). In summary, the available evidence is currently insufficient to determine the role of this variant in disease. Therefore, it has been classified as a Variant of Uncertain Significance.

Illumina Laboratory Services, Illumina
Classification: Uncertain significance for Primary ciliary dyskinesia 3. Last evaluated: 2018-01-13. Review status: criteria provided, single submitter. Criteria: ICSL Variant Classification Criteria 13 December 2019. Collection method: clinical testing. Allele origin: germline.

Natera, Inc.
Classification: Uncertain significance for Primary ciliary dyskinesia. Last evaluated: 2021-04-08. Review status: no assertion criteria provided. Collection method: clinical testing. Allele origin: germline. Not counted in ClinVar's aggregate classification.

NM_001369.3(DNAH5):c.12631G>A (p.Glu4211Lys)

Gene: DNAH5 (dynein axonemal heavy chain 5; minus strand). Cytogenetic location: 5p15.2.
Variant type: single nucleotide variant.
Coding change: c.12631G>A on transcript NM_001369.3 (MANE Select); coding-DNA position 12631, G replaced by A.
Protein change: p.Glu4211Lys; replaces glutamic acid 4211 with lysine.
Molecular consequence: missense variant.
Genome position (GRCh38, 1-based): chr5:13,717,389, C>T on the plus strand (G>A on the coding strand, the complement: DNAH5 is on the minus strand). VCF-style: chr5-13717389-C-T. GRCh37 (hg19) VCF-style: chr5-13717498-C-T.
Other names: short protein forms E4211K.
Identifiers: ClinVar variation 351012 (VCV000351012.14), dbSNP rs762673561, ClinGen allele CA3201578.